The following is an entry in ClinVar:

ClinVar aggregate classification (germline): Uncertain significance (1 of 4 stars; one submission).

gnomAD v4.1: 165 of 1,610,512 alleles (0.01%); highest among the groups gnomAD compares: South Asian, 0.034%; no homozygotes.

Submission:

Mayo Clinic Laboratories, Mayo Clinic
Classification: Uncertain significance. Last evaluated: 2025-12-02. Review status: criteria provided, single submitter. Criteria: ACMG Guidelines, 2015. Collection method: clinical testing. Allele origin: germline. Observed: 1 variant allele.
Comment: BP4_moderate, PM2_supporting

NM_005070.4(SLC4A3):c.1958C>T (p.Thr653Met)

Gene: SLC4A3 (solute carrier family 4 member 3; plus strand). Cytogenetic location: 2q35.
Variant type: single nucleotide variant.
Coding change: c.1958C>T on transcript NM_005070.4 (MANE Select); coding-DNA position 1958, C replaced by T.
Protein change: p.Thr653Met; replaces threonine 653 with methionine.
Molecular consequence: missense variant. On other transcripts: non-coding transcript variant (1).
Genome position (GRCh38, 1-based): chr2:219,635,482, C>T. VCF-style: chr2-219635482-C-T. GRCh37 (hg19) VCF-style: chr2-220500204-C-T.
Other names: p.Thr680Met; c.2039C>T, p.Thr680Met (NM_001326559.2, NM_201574.3); c.1958C>T, p.Thr653Met (NM_001438863.1); c.1364C>T, p.Thr455Met (NM_001438864.1); short protein forms T455M, T680M, T653M.
Identifiers: ClinVar variation 4540814 (VCV004540814.1).